The following is an entry in ClinVar:

ClinVar aggregate classification (germline): Uncertain significance. Review status: criteria provided, multiple submitters, no conflicts (2 of 4 stars). 3 submissions from 3 submitters: Uncertain significance (3). Last evaluated 2025-03-26.

Conditions:
Hereditary sensory and autonomic neuropathy type 6. Also called: Neuropathy, hereditary sensory and autonomic, type VI; HSAN VI. Identifiers: Orphanet 314381, MedGen C3539003, MONDO:0013839, OMIM 614653.
Epidermolysis bullosa simplex 3, localized or generalized intermediate, with BP230 deficiency (EBS3). Also called: Epidermolysis bullosa simplex, autosomal recessive 2; Epidermolysis bullosa simplex due to BP230 deficiency. Identifiers: Orphanet 412181, MedGen C3809470, MONDO:0014180, OMIM 615425.

Allele frequency attached by ClinVar (database versions not stated): gnomAD 0.00001; gnomAD exomes 0.00001; TOPMed 0.00001.
gnomAD v4.1: 15 of 1,613,474 alleles (0.00093%); highest among the groups gnomAD compares: African/African-American, 0.004%; no homozygotes.

Submissions (3):

Women's Health and Genetics/Laboratory Corporation of America, LabCorp
Classification: Uncertain significance. Last evaluated: 2025-03-26. Review status: criteria provided, single submitter. Criteria: LabCorp Variant Classification Summary - May 2015. Collection method: clinical testing. Allele origin: germline.
Comment: Variant summary: DST c.4399C>T (p.Arg1467Cys) results in a non-conservative amino acid change in the encoded protein sequence. Three of five in-silico tools predict a benign effect of the variant on protein function. The variant allele was found at a frequency of 8e-06 in 250916 control chromosomes (gnomAD). The available data on variant occurrences in the general population are insufficient to allow any conclusion about variant significance. To our knowledge, no occurrence of c.4399C>T in individuals affected with Epidermolysis bullosa simplex 3, localized or generalized intermediate, with BP230 deficiency and no experimental evidence demonstrating its impact on protein function have been reported. ClinVar contains an entry for this variant (Variation ID: 1407983). Based on the evidence outlined above, the variant was classified as uncertain significance.

Labcorp Genetics (formerly Invitae), Labcorp
Classification: Uncertain significance for Epidermolysis bullosa simplex 3, localized or generalized intermediate, with BP230 deficiency; Hereditary sensory and autonomic neuropathy type 6. Last evaluated: 2024-01-06. Review status: criteria provided, single submitter. Criteria: Invitae Variant Classification Sherloc (09022015). Collection method: clinical testing. Allele origin: germline.
Comment: This sequence change replaces arginine, which is basic and polar, with cysteine, which is neutral and slightly polar, at codon 1467 of the DST protein (p.Arg1467Cys). This variant is present in population databases (no rsID available, gnomAD 0.007%). This variant has not been reported in the literature in individuals affected with DST-related conditions. ClinVar contains an entry for this variant (Variation ID: 1407983). An algorithm developed to predict the effect of missense changes on protein structure and function (PolyPhen-2) suggests that this variant¬†is likely to be tolerated. In summary, the available evidence is currently insufficient to determine the role of this variant in disease. Therefore, it has been classified as a Variant of Uncertain Significance.

Breakthrough Genomics
Classification: Uncertain significance. Review status: criteria provided, single submitter. Criteria: ACMG Guidelines, 2015. Collection method: not provided. Allele origin: germline. Inheritance: Autosomal recessive inheritance. Affected: yes.

NM_001723.7(DST):c.4399C>T (p.Arg1467Cys)

Gene: DST (dystonin; minus strand). Cytogenetic location: 6p12.1.
Variant type: single nucleotide variant.
Coding change: c.4399C>T on transcript NM_001723.7 (MANE Plus Clinical); coding-DNA position 4399, C replaced by T.
Protein change: p.Arg1467Cys; replaces arginine 1467 with cysteine.
Molecular consequence: missense variant. On other transcripts: intron variant (10).
Genome position (GRCh38, 1-based): chr6:56,619,635, G>A on the plus strand (C>T on the coding strand, the complement: DST is on the minus strand). VCF-style: chr6-56619635-G-A. GRCh37 (hg19) VCF-style: chr6-56484433-G-A.
Other names: c.4830+4895C>T (NM_001144769.5); c.4929+4895C>T (NM_001374722.1, NM_001374736.1); c.4956+4895C>T (NM_001374734.1); c.4416+4895C>T (NM_001144770.2); c.4296+4895C>T (NM_001374730.1, NM_001386100.1, NM_183380.4 and 1 more transcripts); c.3318+4895C>T (NM_015548.5); short protein forms R1467C.
Identifiers: ClinVar variation 1407983 (VCV001407983.6), dbSNP rs1317981458, ClinGen allele CA364569768.